The following is an entry in ClinVar:

ClinVar aggregate classification (germline): Uncertain significance (1 of 4 stars; one submission).

Allele frequency attached by ClinVar (database versions not stated): TOPMed below 0.00001; gnomAD 0.00002; ExAC 0.00003; 1000 Genomes Project 30x 0.00016; 1000 Genomes Project 0.00020.
gnomAD v4.1: 8 of 1,614,222 alleles (0.0005%); highest among the groups gnomAD compares: East Asian, 0.011%; no homozygotes.

Submission:

Labcorp Genetics (formerly Invitae), Labcorp
Classification: Uncertain significance. Last evaluated: 2023-05-30. Review status: criteria provided, single submitter. Criteria: Invitae Variant Classification Sherloc (09022015). Collection method: clinical testing. Allele origin: germline.
Comment: In summary, the available evidence is currently insufficient to determine the role of this variant in disease. Therefore, it has been classified as a Variant of Uncertain Significance. Advanced modeling of protein sequence and biophysical properties (such as structural, functional, and spatial information, amino acid conservation, physicochemical variation, residue mobility, and thermodynamic stability) performed at Invitae indicates that this missense variant is not expected to disrupt ASAH1 protein function. This variant has not been reported in the literature in individuals affected with ASAH1-related conditions. This variant is present in population databases (rs189008507, gnomAD 0.02%). This sequence change replaces threonine, which is neutral and polar, with isoleucine, which is neutral and non-polar, at codon 344 of the ASAH1 protein (p.Thr344Ile).

NM_177924.5(ASAH1):c.1031C>T (p.Thr344Ile)

Gene: ASAH1 (N-acylsphingosine amidohydrolase 1; minus strand). Cytogenetic location: 8p22.
Variant type: single nucleotide variant.
Coding change: c.1031C>T on transcript NM_177924.5 (MANE Select); coding-DNA position 1031, C replaced by T.
Protein change: p.Thr344Ile; replaces threonine 344 with isoleucine.
Molecular consequence: missense variant.
Genome position (GRCh38, 1-based): chr8:18,059,351, G>A on the plus strand (C>T on the coding strand, the complement: ASAH1 is on the minus strand). VCF-style: chr8-18059351-G-A. GRCh37 (hg19) VCF-style: chr8-17916860-G-A.
Other names: c.1013C>T, p.Thr338Ile (NM_001127505.3); c.836C>T, p.Thr279Ile (NM_001363743.2); c.1079C>T, p.Thr360Ile (NM_004315.6); short protein forms T360I, T279I, T344I, T338I.
Identifiers: ClinVar variation 2857618 (VCV002857618.2), dbSNP rs189008507, ClinGen allele CA4650590.